The following is an entry in ClinVar:

NM_006073.4(TRDN):c.1975+5G>T

Gene: TRDN (triadin; minus strand). Cytogenetic location: 6q22.31.
Variant type: single nucleotide variant.
Coding change: c.1975+5G>T on transcript NM_006073.4 (MANE Select); 5 bases into the intron after coding-DNA position 1975, G replaced by T.
Molecular consequence: intron variant.
Genome position (GRCh38, 1-based): chr6:123,252,407, C>A on the plus strand (G>T on the coding strand, the complement: TRDN is on the minus strand). VCF-style: chr6-123252407-C-A. GRCh37 (hg19) VCF-style: chr6-123573552-C-A.
Identifiers: ClinVar variation 1047463 (VCV001047463.8), dbSNP rs899940538, ClinGen allele CA147226207.
Genomic context (GRCh38, chr6:123,252,407, plus strand): 5'-AATTTCATCTTAAAATTGATACTATGTATCAAAGAGAACTTGTCATTAATACAAACCGTA[C>A]TTACTTGATACTCTTGCAGGTTTTTCTGCTAAAAAGAGAAAATAAATAAGTTTTGTTTAA-3'

ClinVar aggregate classification (germline): Uncertain significance. Review status: criteria provided, multiple submitters, no conflicts (2 of 4 stars). 3 submissions from 3 submitters: Uncertain significance (3). Last evaluated 2024-11-12.

Conditions:
Catecholaminergic polymorphic ventricular tachycardia (CVPT). Also called: Catecholamine-induced polymorphic ventricular tachycardia. Identifiers: Orphanet 3286, MedGen C5574922, MONDO:0017990.
Catecholaminergic polymorphic ventricular tachycardia 5 (CARDAR). Also called: Ventricular tachycardia, catecholaminergic polymorphic, 5, with or without muscle weakness; CARDIAC ARRHYTHMIA SYNDROME, WITH OR WITHOUT SKELETAL MUSCLE WEAKNESS. Identifiers: Orphanet 3286, MedGen C3809536, MONDO:0014191, OMIM 615441.
Catecholaminergic polymorphic ventricular tachycardia 1. Also called: VENTRICULAR TACHYCARDIA, CATECHOLAMINERGIC POLYMORPHIC, 1, WITH OR WITHOUT ATRIAL DYSFUNCTION AND/OR DILATED CARDIOMYOPATHY; VENTRICULAR TACHYCARDIA, STRESS-INDUCED POLYMORPHIC 1; RYR2-Related Catecholaminergic Polymorphic Ventricular Tachycardia. Identifiers: Orphanet 3286, MedGen C1631597, MONDO:0011484, OMIM 604772.

Allele frequency attached by ClinVar (database versions not stated): gnomAD 0.00002; TOPMed 0.00002.
gnomAD v4.1: 5 of 1,512,578 alleles (0.00033%); highest among the groups gnomAD compares: Non-Finnish European, 0.00045%; no homozygotes.

Submissions (3):

GeneDx
Classification: Uncertain significance. Last evaluated: 2024-11-12. Review status: criteria provided, single submitter. Criteria: GeneDx Variant Classification Process June 2021. Collection method: clinical testing. Allele origin: germline. Affected: yes.
Comment: Not observed at significant frequency in large population cohorts (gnomAD); Intronic +5 splice site variant in a gene for which loss of function is a known mechanism of disease, and both splice predictors and evolutionary conservation support a deleterious effect, although in the absence of functional evidence the actual effect of this sequence change is unknown.; Has not been previously published as pathogenic or benign to our knowledge

Fulgent Genetics
Classification: Uncertain significance for Catecholaminergic polymorphic ventricular tachycardia 1; Catecholaminergic polymorphic ventricular tachycardia 5. Last evaluated: 2021-10-12. Review status: criteria provided, single submitter. Criteria: ACMG Guidelines, 2015. Collection method: clinical testing. Allele origin: unknown.

Labcorp Genetics (formerly Invitae), Labcorp
Classification: Uncertain significance for Catecholaminergic polymorphic ventricular tachycardia 1. Last evaluated: 2020-06-30. Review status: criteria provided, single submitter. Criteria: Invitae Variant Classification Sherloc (09022015). Collection method: clinical testing. Allele origin: germline.
Comment: This sequence change falls in intron 38 of the TRDN gene. It does not directly change the encoded amino acid sequence of the TRDN protein, but it affects a nucleotide within the consensus splice site of the intron. This variant is not present in population databases (ExAC no frequency). This variant has not been reported in the literature in individuals with TRDN-related conditions. Nucleotide substitutions within the consensus splice site are a relatively common cause of aberrant splicing (PMID: 17576681, 9536098). Algorithms developed to predict the effect of sequence changes on RNA splicing suggest that this variant may disrupt the consensus splice site, but this prediction has not been confirmed by published transcriptional studies. In summary, the available evidence is currently insufficient to determine the role of this variant in disease. Therefore, it has been classified as a Variant of Uncertain Significance.

Literature cited by the submitters: PubMed 17576681 (cited by Labcorp Genetics (formerly Invitae), Labcorp); PubMed 9536098 (cited by Labcorp Genetics (formerly Invitae), Labcorp).